The following is an entry in ClinVar:

NC_012920.1(MT-CO1):m.7249C>T

Gene: MT-CO1 (mitochondrially encoded cytochrome c oxidase I; plus strand).
Variant type: single nucleotide variant.
Genome position: chrM-7249-C-T.
Identifiers: ClinVar variation 692720 (VCV000692720.1), dbSNP rs1603220851, ClinGen allele CA414792075.

ClinVar aggregate classification (germline): Uncertain significance (1 of 4 stars; one submission).

Conditions:
Leigh syndrome (NULS). Also called: Leigh's necrotizing encephalopathy; Leigh's disease; Leigh Syndrome (mtDNA deletion); Leigh Disease; Subacute necrotizing encephalopathy; Necrotizing encephalopathy infantile subacute of Leigh. Identifiers: Orphanet 506, MedGen C2931891, MONDO:0009723, OMIM 256000.

Submission:

Wong Mito Lab, Molecular and Human Genetics, Baylor College of Medicine
Classification: Uncertain significance for Leigh syndrome. Last evaluated: 2019-10-17. Review status: criteria provided, single submitter. Criteria: Modified ACMG Guidelines (Unpublished). Collection method: clinical testing. Allele origin: germline.
Comment: The NC_012920.1:m.7249C>T (YP_003024028.1:p.Thr449Met) variant in MTCO1 gene is interpretated to be a Uncertain Significance variant based on the modified ACMG guidelines (unpublished). This variant meets the following evidence codes: BP4